The following is an entry in ClinVar:

ClinVar aggregate classification (germline): Uncertain significance. Review status: criteria provided, multiple submitters, no conflicts (2 of 4 stars). 2 submissions from 2 submitters: Uncertain significance (2). Last evaluated 2025-02-25.

Conditions:
Gamma-aminobutyric acid transaminase deficiency (GABATD). Also called: GABA aminotransaminase deficiency; GABA transaminase deficiency; Gamma aminobutyrate transaminase deficiency; 4 alpha aminobutyrate transaminase deficiency. Identifiers: Orphanet 2066, MedGen C0342708, MONDO:0013166, OMIM 613163.

Allele frequency attached by ClinVar (database versions not stated): gnomAD exomes below 0.00001; TOPMed 0.00002.
gnomAD v4.1: 2 of 1,614,198 alleles (0.00012%); highest among the groups gnomAD compares: Non-Finnish European, 0.000085%; no homozygotes.

Submissions (2):

Labcorp Genetics (formerly Invitae), Labcorp
Classification: Uncertain significance for Gamma-aminobutyric acid transaminase deficiency. Last evaluated: 2025-02-25. Review status: criteria provided, single submitter. Criteria: Invitae Variant Classification Sherloc (09022015). Collection method: clinical testing. Allele origin: germline.
Comment: This sequence change replaces valine, which is neutral and non-polar, with isoleucine, which is neutral and non-polar, at codon 395 of the ABAT protein (p.Val395Ile). This variant is not present in population databases (gnomAD no frequency). This variant has not been reported in the literature in individuals affected with ABAT-related conditions. ClinVar contains an entry for this variant (Variation ID: 1307524). Invitae Evidence Modeling of protein sequence and biophysical properties (such as structural, functional, and spatial information, amino acid conservation, physicochemical variation, residue mobility, and thermodynamic stability) indicates that this missense variant is not expected to disrupt ABAT protein function with a negative predictive value of 80%. In summary, the available evidence is currently insufficient to determine the role of this variant in disease. Therefore, it has been classified as a Variant of Uncertain Significance.

GeneDx
Classification: Uncertain significance. Last evaluated: 2021-10-01. Review status: criteria provided, single submitter. Criteria: GeneDx Variant Classification Process June 2021. Collection method: clinical testing. Allele origin: germline. Affected: yes.
Comment: Not observed in large population cohorts (Lek et al., 2016); In silico analysis, which includes protein predictors and evolutionary conservation, supports that this variant does not alter protein structure/function; Has not been previously published as pathogenic or benign to our knowledge

NM_020686.6(ABAT):c.1183G>A (p.Val395Ile)

Gene: ABAT (4-aminobutyrate aminotransferase; plus strand). Cytogenetic location: 16p13.2.
Variant type: single nucleotide variant.
Coding change: c.1183G>A on transcript NM_020686.6 (MANE Select); coding-DNA position 1183, G replaced by A.
Protein change: p.Val395Ile; replaces valine 395 with isoleucine.
Molecular consequence: missense variant.
Genome position (GRCh38, 1-based): chr16:8,776,404, G>A. VCF-style: chr16-8776404-G-A. GRCh37 (hg19) VCF-style: chr16-8870261-G-A.
Other names: c.1183G>A, p.Val395Ile (NM_000663.5, NM_001127448.2, NM_001386600.1 and 6 more transcripts); c.1144G>A, p.Val382Ile (NM_001386605.1); c.1120G>A, p.Val374Ile (NM_001386606.1, NM_001386607.1); c.1090G>A, p.Val364Ile (NM_001386608.1); c.1048G>A, p.Val350Ile (NM_001386610.1, NM_001386611.1); c.985G>A, p.Val329Ile (NM_001386612.1, NM_001386613.1); c.937G>A, p.Val313Ile (NM_001386614.1); c.1279G>A, p.Val427Ile (NM_001386615.1); short protein forms V313I, V329I, V350I, V364I, V374I, V382I, V395I, V427I.
Identifiers: ClinVar variation 1307524 (VCV001307524.9), dbSNP rs1390975236, ClinGen allele CA394690261.